The following is an entry in ClinVar:

ClinVar aggregate classification (germline): Uncertain significance (1 of 4 stars; one submission).

Submission:

Ambry Genetics
Classification: Uncertain significance. Last evaluated: 2026-01-23. Review status: criteria provided, single submitter. Criteria: Ambry Variant Classification Scheme 2023. Collection method: clinical testing. Allele origin: germline.
Comment: The p.P507L variant (also known as c.1520C>T), located in coding exon 1 of the TET2 gene, results from a C to T substitution at nucleotide position 1520. The proline at codon 507 is replaced by leucine, an amino acid with similar properties. This amino acid position is conserved. In addition, this alteration is predicted to be tolerated by in silico analysis. Based on the available evidence, the clinical significance of this variant remains unclear.

NM_001127208.3(TET2):c.1520C>T (p.Pro507Leu)

Genes: TET2 (tet methylcytosine dioxygenase 2; plus strand), TET2-AS1 (TET2 antisense RNA 1; minus strand). Cytogenetic location: 4q24.
Variant type: single nucleotide variant.
Coding change: c.1520C>T on transcript NM_001127208.3 (MANE Select); coding-DNA position 1520, C replaced by T.
Protein change: p.Pro507Leu; replaces proline 507 with leucine.
Molecular consequence: missense variant.
Genome position (GRCh38, 1-based): chr4:105,235,462, C>T. VCF-style: chr4-105235462-C-T. GRCh37 (hg19) VCF-style: chr4-106156619-C-T.
Other names: c.1520C>T, p.Pro507Leu (NM_017628.4); short protein forms P507L.
Identifiers: ClinVar variation 4825005 (VCV004825005.1).